The following is an entry in ClinVar:

NM_194277.3(FRMD7):c.1493dup (p.Tyr498Ter)

Gene: FRMD7 (FERM domain containing 7; minus strand). Cytogenetic location: Xq26.2.
Variant type: Duplication.
Coding change: c.1493dup on transcript NM_194277.3 (MANE Select); coding-DNA position 1493, one base duplicated (A; older notation c.1493dupA).
Protein change: p.Tyr498Ter; replaces tyrosine 498 with a stop codon.
Molecular consequence: nonsense.
Genome position (GRCh38, 1-based): chrX:132,078,524, T duplicated on the plus strand (A on the coding strand, the reverse complement: FRMD7 is on the minus strand). VCF-style (leftmost placement, unchanged base first): chrX-132078523-A-AT. GRCh37 (hg19) VCF-style: chrX-131212551-A-AT.
Other names: c.1448dup, p.Tyr483Ter (NM_001306193.2); short protein forms Y483*, Y498*.
Identifiers: ClinVar variation 2737369 (VCV002737369.3), dbSNP rs2520699165, ClinGen allele CA2695235946.
Genomic context (GRCh38, chrX:132,078,523, plus strand): 5'-ACTTGTCCTTTCCTCTGCTCTAATTGGGGACCATCTGGGCACCTGGGGTGGCTTGTCCAC[A>AT]TAAAAAAAGACCTGGGGAGGCATAATACCAACCTGCTGACCTGTACAAGGAATATAGGGC-3'

ClinVar aggregate classification (germline): Pathogenic (1 of 4 stars; one submission).

Submission:

Labcorp Genetics (formerly Invitae), Labcorp
Classification: Pathogenic. Last evaluated: 2022-12-01. Review status: criteria provided, single submitter. Criteria: Invitae Variant Classification Sherloc (09022015). Collection method: clinical testing. Allele origin: germline.
Comment: This sequence change creates a premature translational stop signal (p.Tyr498*) in the FRMD7 gene. While this is not anticipated to result in nonsense mediated decay, it is expected to disrupt the last 217 amino acid(s) of the FRMD7 protein. This variant is not present in population databases (gnomAD no frequency). This premature translational stop signal has been observed in individual(s) with FRMD7-related conditions (PMID: 28656292). This variant disrupts a region of the FRMD7 protein in which other variant(s) (p.Val549Tyrfs*6) have been determined to be pathogenic (PMID: 24434814, 25678693). This suggests that this is a clinically significant region of the protein, and that variants that disrupt it are likely to be disease-causing. For these reasons, this variant has been classified as Pathogenic.

Literature cited by the submitters: PubMed 28656292; PubMed 24434814; PubMed 25678693.